The following is an entry in ClinVar:

NM_001184.4(ATR):c.326G>A (p.Arg109Gln)

Gene: ATR (ATR checkpoint kinase; minus strand). Cytogenetic location: 3q23.
Variant type: single nucleotide variant.
Coding change: c.326G>A on transcript NM_001184.4 (MANE Select); coding-DNA position 326, G replaced by A.
Protein change: p.Arg109Gln; replaces arginine 109 with glutamine.
Molecular consequence: missense variant.
Genome position (GRCh38, 1-based): chr3:142,563,076, C>T on the plus strand (G>A on the coding strand, the complement: ATR is on the minus strand). VCF-style: chr3-142563076-C-T. GRCh37 (hg19) VCF-style: chr3-142281918-C-T.
Other names: c.326G>A, p.Arg109Gln (NM_001354579.2); short protein forms R109Q.
Identifiers: ClinVar variation 1416495 (VCV001416495.4), dbSNP rs774885093, ClinGen allele CA2650783.

ClinVar aggregate classification (germline): Uncertain significance (1 of 4 stars; one submission).

Allele frequency attached by ClinVar (database versions not stated): gnomAD 0.00001.
gnomAD v4.1: 12 of 1,602,726 alleles (0.00075%); highest among the groups gnomAD compares: Admixed American, 0.0035%; no homozygotes.

Submission:

Labcorp Genetics (formerly Invitae), Labcorp
Classification: Uncertain significance. Last evaluated: 2025-08-25. Review status: criteria provided, single submitter. Criteria: Invitae Variant Classification Sherloc (09022015). Collection method: clinical testing. Allele origin: germline.
Comment: This sequence change replaces arginine, which is basic and polar, with glutamine, which is neutral and polar, at codon 109 of the ATR protein (p.Arg109Gln). This variant is present in population databases (rs774885093, gnomAD 0.006%). This missense change has been observed in individual(s) with craniosynostosis (PMID: 29168297). ClinVar contains an entry for this variant (Variation ID: 1416495). An algorithm developed to predict the effect of missense changes on protein structure and function (PolyPhen-2) suggests that this variant is likely to be disruptive. In summary, the available evidence is currently insufficient to determine the role of this variant in disease. Therefore, it has been classified as a Variant of Uncertain Significance.

Literature cited by the submitters: PubMed 29168297.